The following is an entry in ClinVar:

ClinVar aggregate classification (germline): Uncertain significance (1 of 4 stars; one submission).

Submission:

Women's Health and Genetics/Laboratory Corporation of America, LabCorp
Classification: Uncertain significance. Last evaluated: 2025-07-07. Review status: criteria provided, single submitter. Criteria: LabCorp Variant Classification Summary - May 2015. Collection method: clinical testing. Allele origin: germline.
Comment: Variant summary: The variant involves the duplication of exons 1-2 in the NSDHL gene. A presumed nomenclature of c.(?_-99)_(108+1_109-1)dup has been designated for the purposes of this classification. The exact breakpoint at the 5' end of this variant is unknown, therefore this duplication may extend upstream of the annotated region of this gene. It is predicted to duplicate a segment including the initiation codon, therefore its impact on the encoded protein is unknown. The variant was absent in 15812 control chromosomes. The available data on variant occurrences in the general population are insufficient to allow any conclusion about variant significance. To our knowledge, no occurrence of c.(?_-99)_(108+1_109-1)dup in individuals affected with NSDHL-Related Disorder and no experimental evidence demonstrating its impact on protein function have been reported. No submitters have cited clinical-significance assessments for this variant to ClinVar. Based on the evidence outlined above, the variant was classified as uncertain significance.

NC_000023.10:g.(?_151999606)_(152014977_152018808)dup

Gene: NSDHL (NAD(P) dependent 3-beta-hydroxysteroid dehydrogenase NSDHL; plus strand). Cytogenetic location: Xq28.
Variant type: Duplication.
Identifiers: ClinVar variation 3911951 (VCV003911951.2).